The following is an entry in ClinVar:

ClinVar aggregate classification (germline): Uncertain significance. Review status: criteria provided, multiple submitters, no conflicts (2 of 4 stars). 2 submissions from 2 submitters: Uncertain significance (2). Last evaluated 2025-02-13.

Conditions:
Cardiovascular phenotype. Identifiers: MedGen CN230736.

gnomAD v4.1: 44 of 1,613,126 alleles (0.0027%); highest among the groups gnomAD compares: Non-Finnish European, 0.0035%; no homozygotes.

Submissions (2):

Ambry Genetics
Classification: Uncertain significance for Cardiovascular phenotype. Last evaluated: 2025-02-13. Review status: criteria provided, single submitter. Criteria: Ambry Variant Classification Scheme 2023. Collection method: clinical testing. Allele origin: germline.
Comment: The p.R2437G variant (also known as c.7309C>G), located in coding exon 20 of the TNXB gene, results from a C to G substitution at nucleotide position 7309. The arginine at codon 2437 is replaced by glycine, an amino acid with dissimilar properties. This amino acid position is conserved. In addition, this alteration is predicted to be tolerated by in silico analysis. Based on the available evidence, the clinical significance of this variant remains unclear.

GeneDx
Classification: Uncertain significance. Last evaluated: 2023-04-27. Review status: criteria provided, single submitter. Criteria: GeneDx Variant Classification Process June 2021. Collection method: clinical testing. Allele origin: germline. Affected: yes.
Comment: Has not been previously published as pathogenic or benign to our knowledge; Not observed at significant frequency in large population cohorts (gnomAD); In silico analysis supports that this missense variant does not alter protein structure/function

NM_001365276.2(TNXB):c.7309C>G (p.Arg2437Gly)

Gene: TNXB (tenascin XB; minus strand). Cytogenetic location: 6p21.33.
Variant type: single nucleotide variant.
Coding change: c.7309C>G on transcript NM_001365276.2 (MANE Select); coding-DNA position 7309, C replaced by G.
Protein change: p.Arg2437Gly; replaces arginine 2437 with glycine.
Molecular consequence: missense variant.
Genome position (GRCh38, 1-based): chr6:32,061,580, G>C on the plus strand (C>G on the coding strand, the complement: TNXB is on the minus strand). VCF-style: chr6-32061580-G-C. GRCh37 (hg19) VCF-style: chr6-32029357-G-C.
Other names: c.8050C>G, p.Arg2684Gly (NM_001428335.1); c.7309C>G, p.Arg2437Gly (NM_019105.8); short protein forms R2437G, R2684G.
Identifiers: ClinVar variation 3343184 (VCV003343184.2).